The following is an entry in ClinVar:

GRCh38/hg38 8p11.23-11.22(chr8:37814644-38528889)x1

Genes: GOT1L1 (glutamic-oxaloacetic transaminase 1 like 1; minus strand), ADRB3 (adrenoceptor beta 3; minus strand), PLPP5 (phospholipid phosphatase 5; minus strand), NSD3 (nuclear receptor binding SET domain protein 3; minus strand), LSM1 (LSM1 homolog, mRNA degradation associated; minus strand) and 50 more. Cytogenetic location: 8p11.23-11.22.
Variant type: copy number loss.
Change: copy number 1 (one copy instead of two) of chr8:37,814,644-38,528,889 (714.2 kb, GRCh38 coordinates, 1-based), cytogenetic band 8p11.23-11.22.
Identifiers: ClinVar variation 2579179 (VCV002579179.1).

ClinVar aggregate classification (germline): Pathogenic (1 of 4 stars; one submission).

Conditions:
Hypogonadotropic hypogonadism 2 with or without anosmia (HH2). Also called: FGFR1-Related GnRH Deficiency (Kallmann Syndrome 2); HYPOGONADOTROPIC HYPOGONADISM 2 WITHOUT ANOSMIA; HYPOGONADOTROPIC HYPOGONADISM 2 WITH OR WITHOUT ANOSMIA, SUSCEPTIBILITY TO; HYPOGONADOTROPIC HYPOGONADISM 2 WITHOUT ANOSMIA, SUSCEPTIBILITY TO. Identifiers: Orphanet 478, MedGen C1563720, MONDO:0007844, OMIM 147950. Disease mechanism: loss of function.

Submission:

Broad Center for Mendelian Genomics, Broad Institute of MIT and Harvard
Classification: Pathogenic for Hypogonadotropic hypogonadism 2 with or without anosmia. Last evaluated: 2023-08-24. Review status: criteria provided, single submitter. Criteria: ACMG/ClinGen CNV Guidelines, 2019. Collection method: research. Allele origin: de novo. Inheritance: Autosomal dominant inheritance. Affected: yes.
Comment: The patient phenotype is nonspecific, but is consistent with cases described in the literature and/or published databases with overlapping variants. There is complete overlap with the FGFR1 gene which is known to be haploinsufficient and has been assessed by the ClinGen Dosage Sensitivity Working Group. In summary, this variant meets criteria to be classified as pathogenic for autosomal dominant hypogonadotropic hypogonadism. The ACMG/ClinGen evidence codes and points used in this curation are as follows: 1: 0 points, 2: 1.00 points, 3: 0 points, 4-5: 0.15 points; Total: 1.15 points; Riggs 2020 (PMID: 31690835)